The following is an entry in ClinVar:

ClinVar aggregate classification (germline): Uncertain significance (1 of 4 stars; one submission).

Conditions:
Early Myoclonic Encephalopathy. Identifiers: MedGen C0270855.

Submission:

Labcorp Genetics (formerly Invitae), Labcorp
Classification: Uncertain significance for Early Myoclonic Encephalopathy. Last evaluated: 2025-05-12. Review status: criteria provided, single submitter. Criteria: Invitae Variant Classification Sherloc (09022015). Collection method: clinical testing. Allele origin: germline.
Comment: This sequence change replaces isoleucine, which is neutral and non-polar, with methionine, which is neutral and non-polar, at codon 705 of the JMJD1C protein (p.Ile705Met). This variant is not present in population databases (gnomAD no frequency). This variant has not been reported in the literature in individuals affected with JMJD1C-related conditions. ClinVar contains an entry for this variant (Variation ID: 2824538). Invitae Evidence Modeling of protein sequence and biophysical properties (such as structural, functional, and spatial information, amino acid conservation, physicochemical variation, residue mobility, and thermodynamic stability) indicates that this missense variant is expected to disrupt JMJD1C protein function with a positive predictive value of 80%. In summary, the available evidence is currently insufficient to determine the role of this variant in disease. Therefore, it has been classified as a Variant of Uncertain Significance.

NM_032776.3(JMJD1C):c.2115T>G (p.Ile705Met)

Gene: JMJD1C (jumonji domain containing 1C; minus strand). Cytogenetic location: 10q21.3.
Variant type: single nucleotide variant.
Coding change: c.2115T>G on transcript NM_032776.3 (MANE Select); coding-DNA position 2115, T replaced by G.
Protein change: p.Ile705Met; replaces isoleucine 705 with methionine.
Molecular consequence: missense variant. On other transcripts: non-coding transcript variant (1).
Genome position (GRCh38, 1-based): chr10:63,214,052, A>C on the plus strand (T>G on the coding strand, the complement: JMJD1C is on the minus strand). VCF-style: chr10-63214052-A-C. GRCh37 (hg19) VCF-style: chr10-64973812-A-C.
Other names: c.1569T>G, p.Ile523Met (NM_001282948.2, NM_001318154.2); c.1251T>G, p.Ile417Met (NM_001318153.2); c.2001T>G, p.Ile667Met (NM_001322252.2); c.1458T>G, p.Ile486Met (NM_001322254.2, NM_001322258.2); short protein forms I523M, I486M, I667M, I417M, I705M.
Identifiers: ClinVar variation 2824538 (VCV002824538.3), dbSNP rs2492772781, ClinGen allele CA377046665.